The following is an entry in ClinVar:

ClinVar aggregate classification (germline): Uncertain significance. Review status: criteria provided, multiple submitters, no conflicts (2 of 4 stars). 2 submissions from 2 submitters: Uncertain significance (2). Last evaluated 2023-10-06.

Conditions:
Intellectual developmental disorder, autosomal dominant 6, with or without seizures. Also called: Intellectual disability, autosomal dominant 6; GRIN2B-related developmental delay, intellectual disability and autism spectrum disorder. Identifiers: Orphanet 589547, MedGen C3151411, MONDO:0013509, OMIM 613970.
Developmental and epileptic encephalopathy, 27 (DEE27). Also called: Epileptic encephalopathy, early infantile, 27; GRIN2B-Related Neurodevelopmental Disorder. Identifiers: Orphanet 3451, MedGen C4015316, MONDO:0014505, OMIM 616139.

Submissions (2):

Labcorp Genetics (formerly Invitae), Labcorp
Classification: Uncertain significance for Developmental and epileptic encephalopathy, 27; Intellectual developmental disorder, autosomal dominant 6, with or without seizures. Last evaluated: 2023-10-06. Review status: criteria provided, single submitter. Criteria: Invitae Variant Classification Sherloc (09022015). Collection method: clinical testing. Allele origin: germline.
Comment: This sequence change replaces glycine, which is neutral and non-polar, with cysteine, which is neutral and slightly polar, at codon 1249 of the GRIN2B protein (p.Gly1249Cys). This variant is not present in population databases (gnomAD no frequency). This variant has not been reported in the literature in individuals affected with GRIN2B-related conditions. ClinVar contains an entry for this variant (Variation ID: 205719). Advanced modeling of protein sequence and biophysical properties (such as structural, functional, and spatial information, amino acid conservation, physicochemical variation, residue mobility, and thermodynamic stability) has been performed at Invitae for this missense variant, however the output from this modeling did not meet the statistical confidence thresholds required to predict the impact of this variant on GRIN2B protein function. In summary, the available evidence is currently insufficient to determine the role of this variant in disease. Therefore, it has been classified as a Variant of Uncertain Significance.

GeneDx
Classification: Uncertain significance. Last evaluated: 2017-04-19. Review status: criteria provided, single submitter. Criteria: GeneDx Variant Classification (06012015). Collection method: clinical testing. Allele origin: germline. Affected: yes.
Comment: The G1249C variant has not been published as a pathogenic variant, nor has it been reported as a benign variant to our knowledge. It is not observed in large population cohorts (Lek et al., 2016; 1000 Genomes Consortium et al., 2015; Exome Variant Server). The G1249C variant is a non-conservative amino acid substitution, which is likely to impact secondary protein structure as these residues differ in polarity, charge, size and/or other properties. This substitution occurs at a position that is conserved across species, and in silico analysis predicts this variant is probably damaging to the protein structure/function. Based on the currently available information, it is unclear whether this variant is a pathogenic variant or a rare benign variant.

NM_000834.5(GRIN2B):c.3745G>T (p.Gly1249Cys)

Gene: GRIN2B (glutamate ionotropic receptor NMDA type subunit 2B; minus strand). Cytogenetic location: 12p13.1.
Variant type: single nucleotide variant.
Coding change: c.3745G>T on transcript NM_000834.5 (MANE Select); coding-DNA position 3745, G replaced by T.
Protein change: p.Gly1249Cys; replaces glycine 1249 with cysteine.
Molecular consequence: missense variant.
Genome position (GRCh38, 1-based): chr12:13,563,493, C>A on the plus strand (G>T on the coding strand, the complement: GRIN2B is on the minus strand). VCF-style: chr12-13563493-C-A. GRCh37 (hg19) VCF-style: chr12-13716427-C-A.
Other names: p.G1249C:GGC>TGC; short protein forms G1249C.
Identifiers: ClinVar variation 205719 (VCV000205719.5), dbSNP rs796052577, ClinGen allele CA315066.